The following is an entry in ClinVar:

ClinVar aggregate classification (germline): Likely benign. Review status: criteria provided, multiple submitters, no conflicts (2 of 4 stars). 3 submissions from 3 submitters: Likely benign (3). Last evaluated 2026-01-20.

Conditions:
Alstrom syndrome (ALMS). Identifiers: Orphanet 64, MedGen C0268425, MONDO:0008763, OMIM 203800.

Allele frequency attached by ClinVar (database versions not stated): TOPMed 0.00001.
gnomAD v4.1: 14 of 1,084,276 alleles (0.0013%); highest among the groups gnomAD compares: Non-Finnish European, 0.0018%; no homozygotes.

Submissions (3):

Labcorp Genetics (formerly Invitae), Labcorp
Classification: Likely benign for Alstrom syndrome. Last evaluated: 2026-01-20. Review status: criteria provided, single submitter. Criteria: Invitae Variant Classification Sherloc (09022015). Collection method: clinical testing. Allele origin: germline.

CeGaT Center for Human Genetics Tuebingen
Classification: Likely benign. Last evaluated: 2025-02-01. Review status: criteria provided, single submitter. Criteria: CeGaT Center For Human Genetics Tuebingen Variant Classification Criteria Version 2. Collection method: clinical testing. Allele origin: germline. Affected: yes. Observed: 2 variant alleles.
Comment: ALMS1: BP4, BP7

GeneDx
Classification: Likely benign. Last evaluated: 2017-09-29. Review status: criteria provided, single submitter. Criteria: GeneDx Variant Classification (06012015). Collection method: clinical testing. Allele origin: germline. Affected: yes.
Comment: This variant is considered likely benign or benign based on one or more of the following criteria: it is a conservative change, it occurs at a poorly conserved position in the protein, it is predicted to be benign by multiple in silico algorithms, and/or has population frequency not consistent with disease.

NM_001378454.1(ALMS1):c.63G>A (p.Glu21=)

Gene: ALMS1 (ALMS1 centrosome and basal body associated protein; plus strand). Cytogenetic location: 2p13.1.
Variant type: single nucleotide variant.
Coding change: c.63G>A on transcript NM_001378454.1 (MANE Select); coding-DNA position 63, G replaced by A.
Protein change: p.Glu21=; no amino-acid change (glutamic acid 21 retained).
Molecular consequence: synonymous variant.
Genome position (GRCh38, 1-based): chr2:73,385,931, G>A. VCF-style: chr2-73385931-G-A. GRCh37 (hg19) VCF-style: chr2-73613059-G-A.
Other names: c.66G>A, p.Glu22= (NM_015120.4).
Identifiers: ClinVar variation 508221 (VCV000508221.27), dbSNP rs1004961829, ClinGen allele CA50368768.